The following is an entry in ClinVar:

ClinVar aggregate classification (germline): Pathogenic/Likely pathogenic. Review status: criteria provided, multiple submitters, no conflicts (2 of 4 stars). 17 submissions from 16 submitters: Pathogenic (12); Likely pathogenic (1). 4 of the submissions do not count toward it. Last evaluated 2025-08-20.

Conditions:
autosomal recessive disorders of intracellular cobalamin metabolism.
MTR-related disorder. Also called: MTR-related condition.
Inborn genetic diseases. Identifiers: MedGen C0950123, MeSH D030342.
Homocystinuria. Identifiers: MedGen C0019880, MONDO:0004737, HP:0002156.
Decreased methionine synthase activity. Identifiers: MedGen C1848580, HP:0003524.
Disorders of Intracellular Cobalamin Metabolism. Identifiers: MedGen CN043592.
Methylcobalamin deficiency type cblG (HMAG). Also called: HOMOCYSTINURIA-MEGALOBLASTIC ANEMIA, cblG COMPLEMENTATION TYPE; HOMOCYSTINURIA-MEGALOBLASTIC ANEMIA DUE TO DEFECT IN COBALAMIN METABOLISM, cblG COMPLEMENTATION TYPE; Functional methionine synthase deficiency type cblG; HOMOCYSTINURIA-MEGALOBLASTIC ANEMIA, cblG TYPE. Identifiers: Orphanet 2170, Orphanet 622, MedGen C1855128, MONDO:0009609, OMIM 250940.
Epilepsy. Also called: Seizure disorder. Identifiers: MedGen C0014544, MeSH D004827, MONDO:0005027.
Profound intellectual disability. Identifiers: MedGen C3161330, HP:0002187.

Allele frequency attached by ClinVar (database versions not stated): ExAC 0.00005; gnomAD exomes 0.00006; TOPMed 0.00007; gnomAD 0.00009.
gnomAD v4.1: 287 of 1,597,024 alleles (0.018%); highest among the groups gnomAD compares: Non-Finnish European, 0.024%; no homozygotes.

Submissions 1 to 11 of 17:

Variantyx, Inc.
Classification: Likely pathogenic for autosomal recessive disorders of intracellular cobalamin metabolism. Last evaluated: 2025-08-20. Review status: criteria provided, single submitter. Criteria: Variantyx Assertion Criteria 2022. Collection method: clinical testing. Allele origin: germline. Inheritance: Autosomal recessive inheritance.
Comment: The c.3518C>T, p.Pro1173Leu change is a nonsynonymous single nucleotide variant in the MTR gene, that was identified in the compound heterozygous state in multiple individuals and in a homozygous state in two individuals, diagnosed with autosomal recessive disorders of intracellular cobalamin metabolism (PMID:8968736;9235907;12068375;25856670;25558065;28666289) (PM3). Functional studies performed with patient cells carrying this variant showed significant reduction in enzymatic activity relative to controls (PMID: 9235907) (PS3), and multiple lines of computational evidence support a deleterious effect on the gene or gene product (PP3). Based on the curret evidence, this variant has been classifed as likely pathogenic for autosomal recessive disorders of intracellular cobalamin metabolism.

Labcorp Genetics (formerly Invitae), Labcorp
Classification: Pathogenic for Methylcobalamin deficiency type cblG. Last evaluated: 2025-07-09. Review status: criteria provided, single submitter. Criteria: Invitae Variant Classification Sherloc (09022015). Collection method: clinical testing. Allele origin: germline.
Comment: This sequence change replaces proline, which is neutral and non-polar, with leucine, which is neutral and non-polar, at codon 1173 of the MTR protein (p.Pro1173Leu). This variant is present in population databases (rs121913578, gnomAD 0.01%). This missense change has been observed in individual(s) with methionine synthase deficiency (cblG) (PMID: 9235907, 12068375, 25526710). In at least one individual the data is consistent with being in trans (on the opposite chromosome) from a pathogenic variant. ClinVar contains an entry for this variant (Variation ID: 14278). Invitae Evidence Modeling of protein sequence and biophysical properties (such as structural, functional, and spatial information, amino acid conservation, physicochemical variation, residue mobility, and thermodynamic stability) indicates that this missense variant is expected to disrupt MTR protein function with a positive predictive value of 95%. For these reasons, this variant has been classified as Pathogenic.

Greenwood Genetic Center Diagnostic Laboratories, Greenwood Genetic Center
Classification: Pathogenic for MTR-related disorder. Last evaluated: 2024-12-17. Review status: criteria provided, single submitter. Criteria: ACMG Guidelines, 2015. Collection method: clinical testing. Allele origin: germline. Affected: yes.
Comment: PS3_Moderate, PM2, PM3_Very Strong, PP2

Blueprint Genetics
Classification: Pathogenic for MTR-related disorders. Last evaluated: 2024-09-25. Review status: criteria provided, single submitter. Criteria: ACMG Guidelines, 2015. Collection method: clinical testing. Allele origin: germline. Affected: yes. Observed: 5 variant alleles.

Genomic Medicine Center of Excellence, King Faisal Specialist Hospital and Research Centre
Classification: Pathogenic for Methylcobalamin deficiency type cblG. Last evaluated: 2024-03-17. Review status: criteria provided, single submitter. Criteria: ACMG Guidelines, 2015. Collection method: research. Allele origin: germline.

Women's Health and Genetics/Laboratory Corporation of America, LabCorp
Classification: Pathogenic for Methylcobalamin deficiency type cblG. Last evaluated: 2023-11-01. Review status: criteria provided, single submitter. Criteria: LabCorp Variant Classification Summary - May 2015. Collection method: clinical testing. Allele origin: germline.
Comment: Variant summary: MTR c.3518C>T (p.Pro1173Leu) results in a non-conservative amino acid change located in the Vitamin B12-dependent methionine synthase, activation domain (IPR004223) of the encoded protein sequence. Five of five in-silico tools predict a damaging effect of the variant on protein function. The variant allele was found at a frequency of 6.4e-05 in 218506 control chromosomes. c.3518C>T has been reported in the literature in multiple individuals affected with Methylcobalamin deficiency type cblG (e.g. DeBiase_2020, Watkins_2002). These data indicate that the variant is very likely to be associated with disease. To our knowledge, no experimental evidence demonstrating an impact on protein function has been reported. The following publications have been ascertained in the context of this evaluation (PMID: 32533987, 12068375). Eight submitters have cited clinical-significance assessments for this variant to ClinVar after 2014. All submitters classified the variant as pathogenic. Based on the evidence outlined above, the variant was classified as pathogenic.

CeGaT Center for Human Genetics Tuebingen
Classification: Pathogenic. Last evaluated: 2023-09-01. Review status: criteria provided, single submitter. Criteria: CeGaT Center For Human Genetics Tuebingen Variant Classification Criteria Version 2. Collection method: clinical testing. Allele origin: germline. Affected: yes. Observed: 2 variant alleles.
Comment: MTR: PM3:Strong, PM2, PP4:Moderate, PP3, PS3:Supporting

GeneDx
Classification: Pathogenic. Last evaluated: 2022-08-31. Review status: criteria provided, single submitter. Criteria: GeneDx Variant Classification Process June 2021. Collection method: clinical testing. Allele origin: germline. Affected: yes.
Comment: Not observed at significant frequency in large population cohorts (gnomAD); In silico analysis supports that this missense variant has a deleterious effect on protein structure/function; This variant is associated with the following publications: (PMID: 24664876, 9235907, 33726816, 28666289, 32581362, 8968736, 12068375, 34625984)

Centre for Inherited Metabolic Diseases, Karolinska University Hospital
Classification: Pathogenic for Methylcobalamin deficiency type cblG. Last evaluated: 2021-03-25. Review status: criteria provided, single submitter. Criteria: ACMG Guidelines, 2015. Collection method: clinical testing. Allele origin: germline. Inheritance: Autosomal recessive inheritance. Affected: yes. Observed: 1 compound heterozygote.

Rady Children's Institute for Genomic Medicine, Rady Children's Hospital San Diego
Classification: Pathogenic for HOMOCYSTINURIA-MEGALOBLASTIC ANEMIA, cblG COMPLEMENTATION TYPE. Last evaluated: 2019-04-04. Review status: criteria provided, single submitter. Criteria: ACMG Guidelines, 2015. Collection method: clinical testing. Allele origin: germline. Affected: yes. Observed: 1 variant allele.
Comment: This variant has been previously reported as a compound heterozygous and a heterozygous change in patients with methylcobalamin deficiency G (cblG) disorder (PMID: 8968736, 12068375). Functional studies of methionine synthase activity a fibroblast cell line from a patient carrying this variant showed a 30-fold reduction in enzymatic activity relative to controls, in the presence of NADPH (PMID: 9235907). It is present in the heterozygous state in the gnomAD population database at a frequency of .006% (14/243760) and thus is presumed to be rare. The c.3518C>T (p.Pro1173Leu) variant affects a highly conserved amino acid and is predicted by multiple in silico tools to have a deleterious effect on protein function. Based on the available evidence, the c.3518C>T (p.Pro1173Leu) variant is classified as pathogenic.

Illumina Laboratory Services, Illumina
Classification: Pathogenic for Disorders of Intracellular Cobalamin Metabolism. Last evaluated: 2019-01-10. Review status: criteria provided, single submitter. Criteria: ICSL Variant Classification Criteria 09 May 2019. Collection method: clinical testing. Allele origin: germline.
Comment: The MTR c.3518C>T (p.Pro1173Leu) is a missense variant that has been reported in at least six studies, in which it was identified in a compound heterozygous state in 14 individuals and in a homozygous state in two individuals, all diagnosed with disorders of intracellular cobalamin metabolism (Gulati et al. 1996; Gulati et al. 1997; Watkins et al. 2002; Wong et al. 2015; Alazami et al. 2015; Komulainen-Ebrahim et al. 2017). Watkins et al. (2002) performed haplotype analysis and determined that the c.3518C>T transition in a CpG island has occurred independently on at least two separate genetic backgrounds. The p.Pro1173Leu variant was absent from 210 control subjects and is reported at a frequency of 0.000349 in the American European population of the Exome Sequencing Project. Based on the collective evidence, the p.Pro1173Leu variant is classified as pathogenic for disorders of intracellular cobalamin metabolism. This variant was observed by ICSL as part of a predisposition screen in an ostensibly healthy population.

NM_000254.3(MTR):c.3518C>T (p.Pro1173Leu)

Gene: MTR (5-methyltetrahydrofolate-homocysteine methyltransferase; plus strand). Cytogenetic location: 1q43.
Variant type: single nucleotide variant.
Coding change: c.3518C>T on transcript NM_000254.3 (MANE Select); coding-DNA position 3518, C replaced by T.
Protein change: p.Pro1173Leu; replaces proline 1173 with leucine.
Molecular consequence: missense variant.
Genome position (GRCh38, 1-based): chr1:236,895,470, C>T. VCF-style: chr1-236895470-C-T. GRCh37 (hg19) VCF-style: chr1-237058770-C-T.
Other names: c.3365C>T, p.Pro1122Leu (NM_001291939.1); c.2297C>T, p.Pro766Leu (NM_001291940.2); short protein forms P1173L, P1122L, P766L.
Identifiers: ClinVar variation 14278 (VCV000014278.59), dbSNP rs121913578, ClinGen allele CA249972.